The following is an entry in ClinVar:

NM_000257.4(MYH7):c.5087_5088del (p.Glu1696fs)

Genes: MHRT (myosin heavy chain associated RNA transcript; plus strand), MYH7 (myosin heavy chain 7; minus strand), LOC126861897 (BRD4-independent group 4 enhancer GRCh37_chr14:23884455-23885654; plus strand). Cytogenetic location: 14q11.2.
Variant type: Microsatellite.
Coding change: c.5087_5088del on transcript NM_000257.4 (MANE Select); coding-DNA positions 5087 to 5088, 2 bases deleted (AG; older notation c.5087_5088delAG).
Protein change: p.Glu1696fs; shifts the reading frame from glutamic acid 1696.
Molecular consequence: frameshift variant. On other transcripts: non-coding transcript variant (1).
Genome position (GRCh38, 1-based): chr14:23,415,698-23,415,699, CT deleted on the plus strand (AG on the coding strand, the reverse complement: MYH7 is on the minus strand); deleting any 2 consecutive bases within chr14:23,415,698-23,415,701 gives the same sequence; the c. name uses the placement nearest the transcript's 3' end. VCF-style (leftmost placement, unchanged base first): chr14-23415697-GCT-G. GRCh37 (hg19) VCF-style: chr14-23884906-GCT-G.
Other names: c.5087_5088delAG (NM_000257.4); short protein forms E1696fs.
Identifiers: ClinVar variation 655741 (VCV000655741.8), dbSNP rs1595072676, ClinGen allele CA915946990.

ClinVar aggregate classification (germline): Uncertain significance. Review status: criteria provided, multiple submitters, no conflicts (2 of 4 stars). 2 submissions from 2 submitters: Uncertain significance (2). Last evaluated 2025-06-17.

Conditions:
Hypertrophic cardiomyopathy. Also called: HYPERTROPHIC MYOCARDIOPATHY. Identifiers: Orphanet 217569, MedGen C0007194, MeSH D002312, MONDO:0005045, HP:0001639.
Cardiovascular phenotype. Identifiers: MedGen CN230736.

Submissions (2):

Ambry Genetics
Classification: Uncertain significance for Cardiovascular phenotype. Last evaluated: 2025-06-17. Review status: criteria provided, single submitter. Criteria: Ambry Variant Classification Scheme 2023. Collection method: clinical testing. Allele origin: germline.
Comment: The c.5087_5088delAG variant, located in coding exon 33 of the MYH7 gene, results from a deletion of two nucleotides at nucleotide positions 5087 to 5088, causing a translational frameshift with a predicted alternate stop codon (p.E1696Afs*12). This alteration is expected to result in protein truncation or nonsense-mediated mRNA decay. However, loss of function of MYH7 has not been established as a mechanism of disease. Based on the available evidence, the clinical significance of this alteration remains unclear.

Labcorp Genetics (formerly Invitae), Labcorp
Classification: Uncertain significance for Hypertrophic cardiomyopathy. Last evaluated: 2018-08-26. Review status: criteria provided, single submitter. Criteria: Invitae Variant Classification Sherloc (09022015). Collection method: clinical testing. Allele origin: germline.
Comment: This sequence change creates a premature translational stop signal (p.Glu1696Alafs*12) in the MYH7 gene. It is expected to result in an absent or disrupted protein product. In summary, the available evidence is currently insufficient to determine the role of this variant in disease. Therefore, it has been classified as a Variant of Uncertain Significance. The current clinical and genetic evidence is not sufficient to establish whether loss-of-function variants in MYH7 cause disease. This variant has not been reported in the literature in individuals with MYH7-related disease. This variant is not present in population databases (ExAC no frequency).